The following is an entry in ClinVar:

NM_000287.4(PEX6):c.1046+1G>T

Gene: PEX6 (peroxisomal biogenesis factor 6; minus strand). Cytogenetic location: 6p21.1.
Variant type: single nucleotide variant.
Coding change: c.1046+1G>T on transcript NM_000287.4 (MANE Select); the canonical splice donor site of the intron after coding-DNA position 1046, G replaced by T.
Molecular consequence: splice donor variant.
Genome position (GRCh38, 1-based): chr6:42,974,874, C>A on the plus strand (G>T on the coding strand, the complement: PEX6 is on the minus strand). VCF-style: chr6-42974874-C-A. GRCh37 (hg19) VCF-style: chr6-42942612-C-A.
Other names: c.782+1G>T (NM_001316313.2).
Identifiers: ClinVar variation 2084482 (VCV002084482.4), dbSNP rs1554127968, ClinGen allele CA364159321.
Genomic context (GRCh38, chr6:42,974,874, plus strand): 5'-GGGATAGGAGGAATGTAATGAGGGTGAGAAGCTATCCTCCTTAAAAGGTTAGGTAGCTAA[C>A]CTGGGTATCTGAAAGTGCCGGTAAAGAACACCGTCATAATTTCCATTAGTGCTGTAGTGG-3'

ClinVar aggregate classification (germline): Likely pathogenic (1 of 4 stars; one submission).

Conditions:
Peroxisome biogenesis disorder. Identifiers: Orphanet 79189, MedGen C1832200, MONDO:0019234. Disease mechanism: loss of function.

Submission:

Labcorp Genetics (formerly Invitae), Labcorp
Classification: Likely pathogenic for Peroxisome biogenesis disorder. Last evaluated: 2022-09-27. Review status: criteria provided, single submitter. Criteria: Invitae Variant Classification Sherloc (09022015). Collection method: clinical testing. Allele origin: germline.
Comment: This sequence change affects a donor splice site in intron 2 of the PEX6 gene. It is expected to disrupt RNA splicing. Variants that disrupt the donor or acceptor splice site typically lead to a loss of protein function (PMID: 16199547), and loss-of-function variants in PEX6 are known to be pathogenic (PMID: 8670792, 19877282, 21031596). This variant is not present in population databases (gnomAD no frequency). This variant has not been reported in the literature in individuals affected with PEX6-related conditions. Algorithms developed to predict the effect of sequence changes on RNA splicing suggest that this variant may disrupt the consensus splice site. In summary, the currently available evidence indicates that the variant is pathogenic, but additional data are needed to prove that conclusively. Therefore, this variant has been classified as Likely Pathogenic.

Literature cited by the submitters: PubMed 16199547; PubMed 8670792; PubMed 19877282; PubMed 21031596.